The following is an entry in ClinVar:

ClinVar aggregate classification (germline): Uncertain significance (1 of 4 stars; one submission).

Conditions:
Duchenne muscular dystrophy (DMD). Also called: MUSCULAR DYSTROPHY, PSEUDOHYPERTROPHIC PROGRESSIVE, DUCHENNE TYPE; Duchenne Muscular Dystrophy (DMD). Identifiers: Orphanet 98896, MedGen C0013264, MONDO:0010679, OMIM 310200.

gnomAD v4.1: 4 of 1,210,852 alleles (0.00033%); highest among the groups gnomAD compares: Non-Finnish European, 0.00045%; no homozygotes.

Submission:

Labcorp Genetics (formerly Invitae), Labcorp
Classification: Uncertain significance for Duchenne muscular dystrophy. Last evaluated: 2024-11-12. Review status: criteria provided, single submitter. Criteria: Invitae Variant Classification Sherloc (09022015). Collection method: clinical testing. Allele origin: germline.
Comment: This sequence change replaces isoleucine, which is neutral and non-polar, with valine, which is neutral and non-polar, at codon 209 of the DMD protein (p.Ile209Val). This variant is present in population databases (rs761147409, gnomAD 0.001%). This variant has not been reported in the literature in individuals affected with DMD-related conditions. Invitae Evidence Modeling of protein sequence and biophysical properties (such as structural, functional, and spatial information, amino acid conservation, physicochemical variation, residue mobility, and thermodynamic stability) indicates that this missense variant is not expected to disrupt DMD protein function with a negative predictive value of 95%. In summary, the available evidence is currently insufficient to determine the role of this variant in disease. Therefore, it has been classified as a Variant of Uncertain Significance.

NM_004006.3(DMD):c.625A>G (p.Ile209Val)

Gene: DMD (dystrophin; minus strand). Cytogenetic location: Xp21.1.
Variant type: single nucleotide variant.
Coding change: c.625A>G on transcript NM_004006.3 (MANE Select); coding-DNA position 625, A replaced by G.
Protein change: p.Ile209Val; replaces isoleucine 209 with valine.
Molecular consequence: missense variant.
Genome position (GRCh38, 1-based): chrX:32,809,517, T>C on the plus strand (A>G on the coding strand, the complement: DMD is on the minus strand). VCF-style: chrX-32809517-T-C. GRCh37 (hg19) VCF-style: chrX-32827634-T-C.
Other names: c.601A>G, p.Ile201Val (NM_000109.4); c.613A>G, p.Ile205Val (NM_004009.3); c.256A>G, p.Ile86Val (NM_004010.3); short protein forms I209V, I205V, I201V, I86V.
Identifiers: ClinVar variation 3712262 (VCV003712262.2).